The following is an entry in ClinVar:

ClinVar aggregate classification (germline): Conflicting classifications of pathogenicity. Review status: criteria provided, conflicting classifications (1 of 4 stars). 2 submissions from 2 submitters: Pathogenic (1); Uncertain significance (1). Last evaluated 2024-06-06.

Conditions:
Branchiootorenal syndrome 2 (BOR2). Identifiers: Orphanet 107, MedGen C1970479, MONDO:0012575, OMIM 610896.

Allele frequency attached by ClinVar (database versions not stated): gnomAD exomes below 0.00001.
gnomAD v4.1: 1 of 1,605,912 alleles (0.000062%); highest among the groups gnomAD compares: Admixed American, 0.0017%; no homozygotes.

Submissions (2):

Laboratory of Prof. Karen Avraham, Tel Aviv University
Classification: Pathogenic for Branchiootorenal syndrome 2. Last evaluated: 2024-06-06. Review status: criteria provided, single submitter. Criteria: ACMG Guidelines, 2015. Collection method: research. Allele origin: germline. Affected: yes. Observed: 1 variant allele.
Comment: Another known nonesense mutation in the region

BOR2, autosomal dominant; mild HL

Labcorp Genetics (formerly Invitae), Labcorp
Classification: Uncertain significance. Last evaluated: 2024-02-13. Review status: criteria provided, single submitter. Criteria: Invitae Variant Classification Sherloc (09022015). Collection method: clinical testing. Allele origin: germline.
Comment: This sequence change creates a premature translational stop signal (p.Glu173*) in the SIX5 gene. It is expected to result in an absent or disrupted protein product. However, the current clinical and genetic evidence is not sufficient to establish whether loss-of-function variants in SIX5 cause disease. This variant is not present in population databases (gnomAD no frequency). This variant has not been reported in the literature in individuals affected with SIX5-related conditions. In summary, the available evidence is currently insufficient to determine the role of this variant in disease. Therefore, it has been classified as a Variant of Uncertain Significance.

NM_175875.5(SIX5):c.517G>T (p.Glu173Ter)

Genes: DM1-AS (DM1 locus antisense RNA; plus strand), SIX5 (SIX homeobox 5; minus strand), LOC107075317 (origin of replication in DMPK trinucleotide repeat region; plus strand). Cytogenetic location: 19q13.32.
Variant type: single nucleotide variant.
Coding change: c.517G>T on transcript NM_175875.5 (MANE Select); coding-DNA position 517, G replaced by T.
Protein change: p.Glu173Ter; replaces glutamic acid 173 with a stop codon.
Molecular consequence: nonsense.
Genome position (GRCh38, 1-based): chr19:45,768,328, C>A on the plus strand (G>T on the coding strand, the complement: SIX5 is on the minus strand). VCF-style: chr19-45768328-C-A. GRCh37 (hg19) VCF-style: chr19-46271586-C-A.
Other names: short protein forms E173*.
Identifiers: ClinVar variation 2979694 (VCV002979694.4), dbSNP rs930806559, ClinGen allele CA309001608.